The following is an entry in ClinVar:

ClinVar aggregate classification (germline): Uncertain significance. Review status: criteria provided, multiple submitters, no conflicts (2 of 4 stars). 4 submissions from 4 submitters: Uncertain significance (4). Last evaluated 2023-02-08.

Conditions:
Autosomal recessive limb-girdle muscular dystrophy type 2D (LGMDR3). Also called: MUSCULAR DYSTROPHY, LIMB-GIRDLE, AUTOSOMAL RECESSIVE 3; ADHALINOPATHY, PRIMARY; DUCHENNE-LIKE AUTOSOMAL RECESSIVE MUSCULAR DYSTROPHY, TYPE 2. Identifiers: Orphanet 62, MedGen C2936332, MONDO:0011968, OMIM 608099. Disease mechanism: Affects gamma-sarcoglycan and also disrupts the integrity of the entire sarcoglycan complex..

Allele frequency attached by ClinVar (database versions not stated): gnomAD 0.00003; TOPMed 0.00003.
gnomAD v4.1: 8 of 1,614,000 alleles (0.0005%); highest among the groups gnomAD compares: African/African-American, 0.004%; no homozygotes.

Submissions (4):

Genome-Nilou Lab
Classification: Uncertain significance for Autosomal recessive limb-girdle muscular dystrophy type 2D. Last evaluated: 2023-02-08. Review status: criteria provided, single submitter. Criteria: ACMG Guidelines, 2015. Collection method: clinical testing. Allele origin: germline.

Labcorp Genetics (formerly Invitae), Labcorp
Classification: Uncertain significance for Autosomal recessive limb-girdle muscular dystrophy type 2D. Last evaluated: 2022-09-27. Review status: criteria provided, single submitter. Criteria: Invitae Variant Classification Sherloc (09022015). Collection method: clinical testing. Allele origin: germline.
Comment: This sequence change replaces aspartic acid, which is acidic and polar, with tyrosine, which is neutral and polar, at codon 20 of the SGCA protein (p.Asp20Tyr). This variant is present in population databases (no rsID available, gnomAD 0.01%). This variant has not been reported in the literature in individuals affected with SGCA-related conditions. ClinVar contains an entry for this variant (Variation ID: 594619). Advanced modeling of protein sequence and biophysical properties (such as structural, functional, and spatial information, amino acid conservation, physicochemical variation, residue mobility, and thermodynamic stability) performed at Invitae indicates that this missense variant is not expected to disrupt SGCA protein function. Algorithms developed to predict the effect of sequence changes on RNA splicing suggest that this variant may create or strengthen a splice site. In summary, the available evidence is currently insufficient to determine the role of this variant in disease. Therefore, it has been classified as a Variant of Uncertain Significance.

Revvity Omics, Revvity
Classification: Uncertain significance for Autosomal recessive limb-girdle muscular dystrophy type 2D. Last evaluated: 2019-04-11. Review status: criteria provided, single submitter. Criteria: ACMG Guidelines, 2015. Collection method: clinical testing. Allele origin: germline.

Eurofins Ntd Llc (ga)
Classification: Uncertain significance. Last evaluated: 2017-10-25. Review status: criteria provided, single submitter. Criteria: EGL Classification Definitions 2015. Collection method: clinical testing. Allele origin: germline. Observed: 1 variant allele, 1 heterozygote.

NM_000023.4(SGCA):c.58G>T (p.Asp20Tyr)

Gene: SGCA (sarcoglycan alpha; plus strand). Cytogenetic location: 17q21.33.
Variant type: single nucleotide variant.
Coding change: c.58G>T on transcript NM_000023.4 (MANE Select); coding-DNA position 58, G replaced by T.
Protein change: p.Asp20Tyr; replaces aspartic acid 20 with tyrosine.
Molecular consequence: missense variant. On other transcripts: non-coding transcript variant (1).
Genome position (GRCh38, 1-based): chr17:50,167,388, G>T. VCF-style: chr17-50167388-G-T. GRCh37 (hg19) VCF-style: chr17-48244749-G-T.
Other names: c.58G>T, p.Asp20Tyr (NM_001135697.3); c.58G>T (NM_000023.2); short protein forms D20Y.
Identifiers: ClinVar variation 594619 (VCV000594619.13), dbSNP rs759284746, ClinGen allele CA400176375.
Genomic context (GRCh38, chr17:50,167,388, plus strand): 5'-AGGCTGGCCTGTGTGTTTGGGACTTGTGGGGTCCCCACAGTTCTCCTGGCAGGGCTGGGG[G>T]ACACCGAGGCCCAGCAGACCACGCTACACCCACTTGTGGGCCGTGTCTTTGTGCACACCT-3'
Protein context (NP_000014.1, residues 10-30): LLVVLLAGLG[Asp20Tyr]TEAQQTTLHP